The following is an entry in ClinVar:

NM_000138.5(FBN1):c.4079del (p.Lys1360fs)

Gene: FBN1 (fibrillin 1; minus strand). Cytogenetic location: 15q21.1.
Variant type: Deletion.
Coding change: c.4079del on transcript NM_000138.5 (MANE Select); coding-DNA position 4079, one base deleted (A; older notation c.4079delA).
Protein change: p.Lys1360fs; shifts the reading frame from lysine 1360.
Molecular consequence: frameshift variant.
Genome position (GRCh38, 1-based): chr15:48,474,536, T deleted on the plus strand (A on the coding strand, the reverse complement: FBN1 is on the minus strand); the first of 2 consecutive T bases (chr15:48,474,536-48,474,537); deleting either gives the same sequence. VCF-style (leftmost placement, unchanged base first): chr15-48474535-CT-C. GRCh37 (hg19) VCF-style: chr15-48766732-CT-C.
Other names: short protein forms K1360fs.
Identifiers: ClinVar variation 1444232 (VCV001444232.6), dbSNP rs2141280061, ClinGen allele CA2573150844.

ClinVar aggregate classification (germline): Pathogenic (1 of 4 stars; one submission).

Conditions:
Marfan syndrome (MFS). Also called: MARFAN SYNDROME, TYPE I; Marfan syndrome type 1; Marfan's syndrome; Marfan syndrome, classic; FBN1-Related Marfan Syndrome. Identifiers: Orphanet 284963, Orphanet 558, MedGen C0024796, MONDO:0007947, OMIM 154700.
Familial thoracic aortic aneurysm and aortic dissection (TAAD). Also called: Thoracic aortic aneurysms and dissections. Identifiers: Orphanet 91387, MedGen C4707243, MONDO:0019625.

Submission:

Labcorp Genetics (formerly Invitae), Labcorp
Classification: Pathogenic for Marfan syndrome; Familial thoracic aortic aneurysm and aortic dissection. Last evaluated: 2021-11-09. Review status: criteria provided, single submitter. Criteria: Invitae Variant Classification Sherloc (09022015). Collection method: clinical testing. Allele origin: germline.
Comment: For these reasons, this variant has been classified as Pathogenic. This variant has not been reported in the literature in individuals affected with FBN1-related conditions. This variant is not present in population databases (gnomAD no frequency). This sequence change creates a premature translational stop signal (p.Lys1360Serfs*53) in the FBN1 gene. It is expected to result in an absent or disrupted protein product. Loss-of-function variants in FBN1 are known to be pathogenic (PMID: 17657824, 19293843).

Literature cited by the submitters: PubMed 17657824; PubMed 19293843.